The following is an entry in ClinVar:

ClinVar aggregate classification (germline): Uncertain significance (1 of 4 stars; one submission).

Allele frequency attached by ClinVar (database versions not stated): gnomAD exomes below 0.00001; ExAC 0.00001.
gnomAD v4.1: 3 of 1,211,780 alleles (0.00025%); highest among the groups gnomAD compares: Non-Finnish European, 0.00022%; no homozygotes.

Submission:

Labcorp Genetics (formerly Invitae), Labcorp
Classification: Uncertain significance. Last evaluated: 2025-08-18. Review status: criteria provided, single submitter. Criteria: Invitae Variant Classification Sherloc (09022015). Collection method: clinical testing. Allele origin: germline.
Comment: This sequence change replaces glutamic acid, which is acidic and polar, with lysine, which is basic and polar, at codon 84 of the PGK1 protein (p.Glu84Lys). This variant is present in population databases (rs781911123, gnomAD 0.001%), including at least one homozygous and/or hemizygous individual. This variant has not been reported in the literature in individuals affected with PGK1-related conditions. ClinVar contains an entry for this variant (Variation ID: 2793481). Invitae Evidence Modeling of protein sequence and biophysical properties (such as structural, functional, and spatial information, amino acid conservation, physicochemical variation, residue mobility, and thermodynamic stability) indicates that this missense variant is not expected to disrupt PGK1 protein function with a negative predictive value of 80%. In summary, the available evidence is currently insufficient to determine the role of this variant in disease. Therefore, it has been classified as a Variant of Uncertain Significance.

NM_000291.4(PGK1):c.250G>A (p.Glu84Lys)

Gene: PGK1 (phosphoglycerate kinase 1; plus strand). Cytogenetic location: Xq21.1.
Variant type: single nucleotide variant.
Coding change: c.250G>A on transcript NM_000291.4 (MANE Select); coding-DNA position 250, G replaced by A.
Protein change: p.Glu84Lys; replaces glutamic acid 84 with lysine.
Molecular consequence: missense variant.
Genome position (GRCh38, 1-based): chrX:78,113,877, G>A. VCF-style: chrX-78113877-G-A. GRCh37 (hg19) VCF-style: chrX-77369374-G-A.
Other names: short protein forms E84K.
Identifiers: ClinVar variation 2793481 (VCV002793481.3), dbSNP rs781911123, ClinGen allele CA10459642.
Genomic context (GRCh38, chrX:78,113,877, plus strand): 5'-CTAGGCCGGCCTGATGGTGTGCCCATGCCTGACAAGTACTCCTTAGAGCCAGTTGCTGTA[G>A]AACTCAAATCTCTGCTGGGCAAGTAAGTGCCAGGCTCTGGTGCTGGTAGACTTTGTGGCG-3'
Protein context (NP_000282.1, residues 74-94): DKYSLEPVAV[Glu84Lys]LKSLLGKDVL